The following is an entry in ClinVar:

ClinVar aggregate classification (germline): Uncertain significance. Review status: criteria provided, multiple submitters, no conflicts (2 of 4 stars). 2 submissions from 2 submitters: Uncertain significance (2). Last evaluated 2024-01-24.

Conditions:
Cardiovascular phenotype. Identifiers: MedGen CN230736.
Hereditary cancer-predisposing syndrome. Also called: Tumor predisposition; Hereditary neoplastic syndrome; Hereditary Cancer Syndrome; Neoplastic Syndromes, Hereditary. Identifiers: Orphanet 140162, MedGen C0027672, MeSH D009386, MONDO:0015356.

gnomAD v4.1: 1 of 1,613,492 alleles (0.000062%); highest among the groups gnomAD compares: African/African-American, 0.0013%; no homozygotes.

Submissions (2):

Labcorp Genetics (formerly Invitae), Labcorp
Classification: Uncertain significance. Last evaluated: 2024-01-24. Review status: criteria provided, single submitter. Criteria: Invitae Variant Classification Sherloc (09022015). Collection method: clinical testing. Allele origin: germline.
Comment: This sequence change replaces leucine, which is neutral and non-polar, with proline, which is neutral and non-polar, at codon 436 of the LZTR1 protein (p.Leu436Pro). This variant is not present in population databases (gnomAD no frequency). This variant has not been reported in the literature in individuals affected with LZTR1-related conditions. Advanced modeling of protein sequence and biophysical properties (such as structural, functional, and spatial information, amino acid conservation, physicochemical variation, residue mobility, and thermodynamic stability) performed at Invitae indicates that this missense variant is not expected to disrupt LZTR1 protein function with a negative predictive value of 80%. In summary, the available evidence is currently insufficient to determine the role of this variant in disease. Therefore, it has been classified as a Variant of Uncertain Significance.

Ambry Genetics
Classification: Uncertain significance for Cardiovascular phenotype; Hereditary cancer-predisposing syndrome. Last evaluated: 2023-05-14. Review status: criteria provided, single submitter. Criteria: Ambry Variant Classification Scheme 2023. Collection method: clinical testing. Allele origin: germline.
Comment: The p.L436P variant (also known as c.1307T>C), located in coding exon 12 of the LZTR1 gene, results from a T to C substitution at nucleotide position 1307. The leucine at codon 436 is replaced by proline, an amino acid with similar properties. This amino acid position is conserved. In addition, this alteration is predicted to be deleterious by in silico analysis. Since supporting evidence is limited at this time, the clinical significance of this alteration remains unclear.

NM_006767.4(LZTR1):c.1307T>C (p.Leu436Pro)

Gene: LZTR1 (leucine zipper like post translational regulator 1; plus strand). Cytogenetic location: 22q11.21.
Variant type: single nucleotide variant.
Coding change: c.1307T>C on transcript NM_006767.4 (MANE Select); coding-DNA position 1307, T replaced by C.
Protein change: p.Leu436Pro; replaces leucine 436 with proline.
Molecular consequence: missense variant.
Genome position (GRCh38, 1-based): chr22:20,993,708, T>C. VCF-style: chr22-20993708-T-C. GRCh37 (hg19) VCF-style: chr22-21347997-T-C.
Other names: c.1307T>C (NM_006767.3); short protein forms L436P.
Identifiers: ClinVar variation 2957638 (VCV002957638.4), dbSNP rs2518619988, ClinGen allele CA410774486.